The following is an entry in ClinVar:

NM_005475.3(SH2B3):c.1652G>C (p.Arg551Pro)

Gene: SH2B3 (SH2B adaptor protein 3; plus strand). Cytogenetic location: 12q24.12.
Variant type: single nucleotide variant.
Coding change: c.1652G>C on transcript NM_005475.3 (MANE Select); coding-DNA position 1652, G replaced by C.
Protein change: p.Arg551Pro; replaces arginine 551 with proline.
Molecular consequence: missense variant.
Genome position (GRCh38, 1-based): chr12:111,448,226, G>C. VCF-style: chr12-111448226-G-C. GRCh37 (hg19) VCF-style: chr12-111886030-G-C.
Other names: c.1046G>C, p.Arg349Pro (NM_001291424.1); short protein forms R551P, R349P.
Identifiers: ClinVar variation 3440733 (VCV003440733.1).

ClinVar aggregate classification (germline): Uncertain significance (1 of 4 stars; one submission).

Conditions:
Inborn genetic diseases. Identifiers: MedGen C0950123, MeSH D030342.

Submission:

Ambry Genetics
Classification: Uncertain significance for Inborn genetic diseases. Last evaluated: 2024-11-18. Review status: criteria provided, single submitter. Criteria: Ambry Variant Classification Scheme 2023. Collection method: clinical testing. Allele origin: germline.
Comment: The p.R551P variant (also known as c.1652G>C), located in coding exon 7 of the SH2B3 gene, results from a G to C substitution at nucleotide position 1652. The arginine at codon 551 is replaced by proline, an amino acid with dissimilar properties. This amino acid position is conserved. In addition, the in silico prediction for this alteration is inconclusive. Based on the available evidence, the clinical significance of this variant remains unclear.